The following is an entry in ClinVar:

ClinVar aggregate classification (germline): Uncertain significance. Review status: criteria provided, multiple submitters, no conflicts (2 of 4 stars). 2 submissions from 2 submitters: Uncertain significance (2). Last evaluated 2023-02-14.

Submissions (2):

Ambry Genetics
Classification: Uncertain significance. Last evaluated: 2023-02-14. Review status: criteria provided, single submitter. Criteria: Ambry Variant Classification Scheme 2023. Collection method: clinical testing. Allele origin: germline.

Labcorp Genetics (formerly Invitae), Labcorp
Classification: Uncertain significance. Last evaluated: 2022-07-20. Review status: criteria provided, single submitter. Criteria: Invitae Variant Classification Sherloc (09022015). Collection method: clinical testing. Allele origin: germline.
Comment: Algorithms developed to predict the effect of missense changes on protein structure and function (SIFT, PolyPhen-2, Align-GVGD) all suggest that this variant is likely to be tolerated. In summary, the available evidence is currently insufficient to determine the role of this variant in disease. Therefore, it has been classified as a Variant of Uncertain Significance. This sequence change replaces alanine, which is neutral and non-polar, with serine, which is neutral and polar, at codon 19 of the COQ7 protein (p.Ala19Ser). The frequency data for this variant in the population databases is considered unreliable, as metrics indicate poor data quality at this position in the gnomAD database. This variant has not been reported in the literature in individuals affected with COQ7-related conditions.

NM_016138.5(COQ7):c.55G>T (p.Ala19Ser)

Genes: COQ7 (coenzyme Q7, hydroxylase; plus strand), LOC130058587 (ATAC-STARR-seq lymphoblastoid silent region 7240; plus strand). Cytogenetic location: 16p12.3.
Variant type: single nucleotide variant.
Coding change: c.55G>T on transcript NM_016138.5 (MANE Select); coding-DNA position 55, G replaced by T.
Protein change: p.Ala19Ser; replaces alanine 19 with serine.
Molecular consequence: missense variant. On other transcripts: non-coding transcript variant (2).
Genome position (GRCh38, 1-based): chr16:19,067,719, G>T. VCF-style: chr16-19067719-G-T. GRCh37 (hg19) VCF-style: chr16-19079041-G-T.
Other names: c.55G>T, p.Ala19Ser (NM_001370490.1); c.55G>T (NM_016138.4); short protein forms A19S.
Identifiers: ClinVar variation 1938844 (VCV001938844.7), dbSNP rs771061330, ClinGen allele CA7932844.